The following is an entry in ClinVar:

NM_080680.3(COL11A2):c.3341G>A (p.Gly1114Asp)

Gene: COL11A2 (collagen type XI alpha 2 chain; minus strand). Cytogenetic location: 6p21.32.
Variant type: single nucleotide variant.
Coding change: c.3341G>A on transcript NM_080680.3 (MANE Select); coding-DNA position 3341, G replaced by A.
Protein change: p.Gly1114Asp; replaces glycine 1114 with aspartic acid.
Molecular consequence: missense variant.
Genome position (GRCh38, 1-based): chr6:33,171,139, C>T on the plus strand (G>A on the coding strand, the complement: COL11A2 is on the minus strand). VCF-style: chr6-33171139-C-T. GRCh37 (hg19) VCF-style: chr6-33138916-C-T.
Other names: c.3161G>A, p.Gly1054Asp (NM_001424108.1); c.2495G>A, p.Gly832Asp (NM_001424109.1); c.2315G>A, p.Gly772Asp (NM_001424110.1, NM_001424111.1); c.1295G>A, p.Gly432Asp (NM_001424112.1); c.3020G>A, p.Gly1007Asp (NM_080679.3); c.3083G>A, p.Gly1028Asp (NM_080681.3); short protein forms G1007D, G1028D, G1054D, G1114D, G432D, G772D, G832D.
Identifiers: ClinVar variation 4688024 (VCV004688024.1).

ClinVar aggregate classification (germline): Likely pathogenic (1 of 4 stars; one submission).

Conditions:
Monogenic hearing loss.

gnomAD v4.1: 1 of 1,594,700 alleles (0.000063%); highest among the groups gnomAD compares: Non-Finnish European, 0.000085%; no homozygotes.

Submission:

Genetics Laboratory, Great Ormond Street Hospital NHS Foundation Trust, North Thames Genomic Laboratory Hub
Classification: Likely pathogenic for Monogenic hearing loss. Last evaluated: 2025-11-30. Review status: criteria provided, single submitter. Criteria: ACGS Best Practice Guidelines for Variant Classification in Rare Disease 2024 v1.2. Collection method: clinical testing. Allele origin: germline. Affected: yes.
Comment: PM2_moderate, PP3_supporting, PM1_strong